The following is an entry in ClinVar:

ClinVar aggregate classification (germline): Uncertain significance. Review status: criteria provided, multiple submitters, no conflicts (2 of 4 stars). 2 submissions from 2 submitters: Uncertain significance (2). Last evaluated 2024-12-10.

Conditions:
Hereditary cancer-predisposing syndrome. Also called: Hereditary neoplastic syndrome; Neoplastic Syndromes, Hereditary; Hereditary Cancer Syndrome; Tumor predisposition. Identifiers: Orphanet 140162, MedGen C0027672, MeSH D009386, MONDO:0015356.
Oligodontia-cancer predisposition syndrome. Also called: TOOTH AGENESIS-COLORECTAL CANCER SYNDROME. Identifiers: Orphanet 300576, MedGen C1837750, MONDO:0012075, OMIM 608615. Disease mechanism: loss of function.

Submissions (2):

Labcorp Genetics (formerly Invitae), Labcorp
Classification: Uncertain significance for Oligodontia-cancer predisposition syndrome. Last evaluated: 2024-12-10. Review status: criteria provided, single submitter. Criteria: Invitae Variant Classification Sherloc (09022015). Collection method: clinical testing. Allele origin: germline.
Comment: This sequence change replaces methionine, which is neutral and non-polar, with isoleucine, which is neutral and non-polar, at codon 182 of the AXIN2 protein (p.Met182Ile). This variant is not present in population databases (gnomAD no frequency). This variant has not been reported in the literature in individuals affected with AXIN2-related conditions. ClinVar contains an entry for this variant (Variation ID: 657735). Invitae Evidence Modeling of protein sequence and biophysical properties (such as structural, functional, and spatial information, amino acid conservation, physicochemical variation, residue mobility, and thermodynamic stability) indicates that this missense variant is not expected to disrupt AXIN2 protein function with a negative predictive value of 80%. In summary, the available evidence is currently insufficient to determine the role of this variant in disease. Therefore, it has been classified as a Variant of Uncertain Significance.

Ambry Genetics
Classification: Uncertain significance for Hereditary cancer-predisposing syndrome. Last evaluated: 2021-06-23. Review status: criteria provided, single submitter. Criteria: Ambry Variant Classification Scheme 2023. Collection method: clinical testing. Allele origin: germline.
Comment: The p.M182I variant (also known as c.546G>A), located in coding exon 1 of the AXIN2 gene, results from a G to A substitution at nucleotide position 546. The methionine at codon 182 is replaced by isoleucine, an amino acid with highly similar properties. This amino acid position is conserved. In addition, the in silico prediction for this alteration is inconclusive. Since supporting evidence is limited at this time, the clinical significance of this alteration remains unclear.

NM_004655.4(AXIN2):c.546G>A (p.Met182Ile)

Gene: AXIN2 (axin 2; minus strand). Cytogenetic location: 17q24.1.
Variant type: single nucleotide variant.
Coding change: c.546G>A on transcript NM_004655.4 (MANE Select); coding-DNA position 546, G replaced by A.
Protein change: p.Met182Ile; replaces methionine 182 with isoleucine.
Molecular consequence: missense variant.
Genome position (GRCh38, 1-based): chr17:65,558,075, C>T on the plus strand (G>A on the coding strand, the complement: AXIN2 is on the minus strand). VCF-style: chr17-65558075-C-T. GRCh37 (hg19) VCF-style: chr17-63554193-C-T.
Other names: c.546G>A (LRG_296t1); c.546G>A, p.Met182Ile (NM_001363813.1); short protein forms M182I.
Identifiers: ClinVar variation 657735 (VCV000657735.11), dbSNP rs1598119489, ClinGen allele CA400680943.
Genomic context (GRCh38, chr17:65,558,075, plus strand): 5'-ACTCCTCACATATTCGAGGTATATATCAGAAGTCAAAAACATCTGGTAGGCATTTTCCTC[C>T]ATCACCGACTGGATCTCGGTCTGCGCCTGGTCAAACATGATGGAATCAATCTGCTGCTTC-3'
Protein context (NP_004646.3, residues 172-192): DQAQTEIQSV[Met182Ile]EENAYQMFLT